The following is an entry in ClinVar:

ClinVar aggregate classification (germline): Uncertain significance. Review status: criteria provided, multiple submitters, no conflicts (2 of 4 stars). 5 submissions from 5 submitters: Uncertain significance (5). Last evaluated 2026-09-11.

Conditions:
Cardiomyopathy (CMYO). Also called: Cardiomyopathies. Identifiers: Orphanet 167848, MedGen C0878544, MONDO:0004994, HP:0001638. Inheritance: Various modes of inheritance.
Cardiovascular phenotype. Identifiers: MedGen CN230736.
Catecholaminergic polymorphic ventricular tachycardia (CVPT). Also called: Catecholamine-induced polymorphic ventricular tachycardia. Identifiers: Orphanet 3286, MedGen C5574922, MONDO:0017990.
Catecholaminergic polymorphic ventricular tachycardia 1. Also called: VENTRICULAR TACHYCARDIA, CATECHOLAMINERGIC POLYMORPHIC, 1, WITH OR WITHOUT ATRIAL DYSFUNCTION AND/OR DILATED CARDIOMYOPATHY; RYR2-Related Catecholaminergic Polymorphic Ventricular Tachycardia; VENTRICULAR TACHYCARDIA, STRESS-INDUCED POLYMORPHIC 1. Identifiers: Orphanet 3286, MedGen C1631597, MONDO:0011484, OMIM 604772.

Allele frequency attached by ClinVar (database versions not stated): ExAC 0.00001; gnomAD 0.00001; gnomAD exomes 0.00001; ESP Exome Variant Server 0.00008; 1000 Genomes Project 30x 0.00016; 1000 Genomes Project 0.00020.
gnomAD v4.1: 4 of 1,614,006 alleles (0.00025%); highest among the groups gnomAD compares: Admixed American, 0.0033%; no homozygotes.

Submissions (5):

Ambry Genetics
Classification: Uncertain significance for Cardiovascular phenotype. Last evaluated: 2026-09-11. Review status: criteria provided, single submitter. Criteria: Ambry Variant Classification Scheme 2023. Collection method: clinical testing. Allele origin: germline.
Comment: The p.R694Q variant (also known as c.2081G>A), located in coding exon 20 of the RYR2 gene, results from a G to A substitution at nucleotide position 2081. The arginine at codon 694 is replaced by glutamine, an amino acid with highly similar properties. This amino acid position is highly conserved in available vertebrate species. In addition, the in silico prediction for this alteration is inconclusive. Based on the available evidence, the clinical significance of this variant remains unclear.

GeneDx
Classification: Uncertain significance. Last evaluated: 2025-04-30. Review status: criteria provided, single submitter. Criteria: GeneDx Variant Classification Process June 2021. Collection method: clinical testing. Allele origin: germline. Affected: yes.
Comment: Not observed at significant frequency in large population cohorts (gnomAD); In silico analysis supports that this missense variant has a deleterious effect on protein structure/function; Has not been previously published as pathogenic or benign to our knowledge; Not located in one of the three hot-spot regions of the RYR2 gene, where the majority of pathogenic missense variants occur (PMID: 19926015); This variant is associated with the following publications: (PMID: 19926015)

Labcorp Genetics (formerly Invitae), Labcorp
Classification: Uncertain significance for Catecholaminergic polymorphic ventricular tachycardia 1. Last evaluated: 2024-08-31. Review status: criteria provided, single submitter. Criteria: Invitae Variant Classification Sherloc (09022015). Collection method: clinical testing. Allele origin: germline.
Comment: This sequence change replaces arginine, which is basic and polar, with glutamine, which is neutral and polar, at codon 694 of the RYR2 protein (p.Arg694Gln). This variant is present in population databases (rs190787113, gnomAD 0.003%). This variant has not been reported in the literature in individuals affected with RYR2-related conditions. ClinVar contains an entry for this variant (Variation ID: 532383). Invitae Evidence Modeling of protein sequence and biophysical properties (such as structural, functional, and spatial information, amino acid conservation, physicochemical variation, residue mobility, and thermodynamic stability) indicates that this missense variant is not expected to disrupt RYR2 protein function with a negative predictive value of 95%. In summary, the available evidence is currently insufficient to determine the role of this variant in disease. Therefore, it has been classified as a Variant of Uncertain Significance.

All of Us Research Program, National Institutes of Health
Classification: Uncertain significance for Catecholaminergic polymorphic ventricular tachycardia. Last evaluated: 2023-12-01. Review status: criteria provided, single submitter. Criteria: ACMG Guidelines, 2015. Collection method: clinical testing. Allele origin: germline. Inheritance: Autosomal dominant inheritance. Observed: 2 variant alleles, 2 heterozygotes.
Comment: This missense variant replaces arginine with glutamine at codon 694 of the RYR2 protein. Computational prediction is inconclusive regarding the impact of this variant on protein structure and function (internally defined REVEL score threshold 0.5 < inconclusive < 0.7, PMID: 27666373). Splice site prediction tools suggest that this variant may not impact RNA splicing. To our knowledge, functional studies have not been performed for this variant. This variant has not been reported in individuals affected with cardiovascular disorders in the literature. This variant has been identified in 3/249290 chromosomes in the general population by the Genome Aggregation Database (gnomAD). The available evidence is insufficient to determine the role of this variant in disease conclusively. Therefore, this variant is classified as a Variant of Uncertain Significance.

This study involves interpretation of variants in research participants for the purpose of population health screening. Participant phenotype was not available at the time of variant classification. Additional details can be found in publication PMID: 35346344, PMCID: PMC8962531

Color Diagnostics, LLC DBA Color Health
Classification: Uncertain significance for Cardiomyopathy. Last evaluated: 2019-12-11. Review status: criteria provided, single submitter. Criteria: ACMG Guidelines, 2015. Collection method: clinical testing. Allele origin: germline.
Comment: This missense variant replaces arginine with glutamine at codon 694 of the RYR2 protein. Computational prediction is inconclusive regarding the impact of this variant on protein structure and function (internally defined REVEL score threshold 0.5 < inconclusive < 0.7, PMID: 27666373). Splice site prediction tools suggest that this variant may not impact RNA splicing. To our knowledge, functional studies have not been performed for this variant. This variant has not been reported in individuals affected with cardiovascular disorders in the literature. This variant has been identified in 3/249290 chromosomes in the general population by the Genome Aggregation Database (gnomAD). The available evidence is insufficient to determine the role of this variant in disease conclusively. Therefore, this variant is classified as a Variant of Uncertain Significance.

NM_001035.3(RYR2):c.2081G>A (p.Arg694Gln)

Gene: RYR2 (ryanodine receptor 2; plus strand). Cytogenetic location: 1q43.
Variant type: single nucleotide variant.
Coding change: c.2081G>A on transcript NM_001035.3 (MANE Select); coding-DNA position 2081, G replaced by A.
Protein change: p.Arg694Gln; replaces arginine 694 with glutamine.
Molecular consequence: missense variant.
Genome position (GRCh38, 1-based): chr1:237,496,630, G>A. VCF-style: chr1-237496630-G-A. GRCh37 (hg19) VCF-style: chr1-237659930-G-A.
Other names: c.2081G>A, p.Arg694Gln (LRG_402t1); short protein forms R694Q.
Identifiers: ClinVar variation 532383 (VCV000532383.16), dbSNP rs190787113, ClinGen allele CA085951.
Genomic context (GRCh38, chr1:237,496,630, plus strand): 5'-ACTATGAATTGATGGTGGACCACACAGAGCCCTTTGTGACAGCTGAAGCAACTCACCTGC[G>A]AGTGGGCTGGGCTTCCACTGAAGGATATTCTCCCTACCCTGGAGGGGGCGAAGAGTGGGG-3'
Protein context (NP_001026.2, residues 684-704): PFVTAEATHL[Arg694Gln]VGWASTEGYS